The following is an entry in ClinVar:

NM_004447.6(EPS8):c.1818A>G (p.Ile606Met)

Gene: EPS8 (EGFR pathway substrate 8, signaling adaptor; minus strand). Cytogenetic location: 12p12.3.
Variant type: single nucleotide variant.
Coding change: c.1818A>G on transcript NM_004447.6 (MANE Select); coding-DNA position 1818, A replaced by G.
Protein change: p.Ile606Met; replaces isoleucine 606 with methionine.
Molecular consequence: missense variant.
Genome position (GRCh38, 1-based): chr12:15,640,706, T>C on the plus strand (A>G on the coding strand, the complement: EPS8 is on the minus strand). VCF-style: chr12-15640706-T-C. GRCh37 (hg19) VCF-style: chr12-15793640-T-C.
Other names: short protein forms I606M.
Identifiers: ClinVar variation 1707729 (VCV001707729.2), dbSNP rs1565473314, ClinGen allele CA384026509.

ClinVar aggregate classification (germline): Uncertain significance (1 of 4 stars; one submission).

Submission:

GeneDx
Classification: Uncertain significance. Last evaluated: 2022-03-28. Review status: criteria provided, single submitter. Criteria: GeneDx Variant Classification Process June 2021. Collection method: clinical testing. Allele origin: germline. Affected: yes.
Comment: Not observed at significant frequency in large population cohorts (gnomAD); In silico analysis supports that this missense variant does not alter protein structure/function; Has not been previously published as pathogenic or benign to our knowledge